The following is an entry in ClinVar:

NM_031935.3(HMCN1):c.8662A>G (p.Lys2888Glu)

Gene: HMCN1 (hemicentin 1; plus strand). Cytogenetic location: 1q31.1.
Variant type: single nucleotide variant.
Coding change: c.8662A>G on transcript NM_031935.3 (MANE Select); coding-DNA position 8662, A replaced by G.
Protein change: p.Lys2888Glu; replaces lysine 2888 with glutamic acid.
Molecular consequence: missense variant.
Genome position (GRCh38, 1-based): chr1:186,081,269, A>G. VCF-style: chr1-186081269-A-G. GRCh37 (hg19) VCF-style: chr1-186050401-A-G.
Other names: c.8662A>G (NM_031935.2); short protein forms K2888E.
Identifiers: ClinVar variation 2184954 (VCV002184954.5), dbSNP rs745459538, ClinGen allele CA1293189.

ClinVar aggregate classification (germline): Uncertain significance. Review status: criteria provided, multiple submitters, no conflicts (2 of 4 stars). 2 submissions from 2 submitters: Uncertain significance (2). Last evaluated 2025-11-05.

Allele frequency attached by ClinVar (database versions not stated): gnomAD exomes below 0.00001; TOPMed below 0.00001; ExAC 0.00001; gnomAD 0.00001.
gnomAD v4.1: 3 of 1,613,658 alleles (0.00019%); highest among the groups gnomAD compares: Admixed American, 0.0033%; no homozygotes.

Submissions (2):

Ambry Genetics
Classification: Uncertain significance. Last evaluated: 2025-11-05. Review status: criteria provided, single submitter. Criteria: Ambry Variant Classification Scheme 2023. Collection method: clinical testing. Allele origin: germline.

Labcorp Genetics (formerly Invitae), Labcorp
Classification: Uncertain significance. Last evaluated: 2025-03-25. Review status: criteria provided, single submitter. Criteria: Invitae Variant Classification Sherloc (09022015). Collection method: clinical testing. Allele origin: germline.
Comment: This sequence change replaces lysine, which is basic and polar, with glutamic acid, which is acidic and polar, at codon 2888 of the HMCN1 protein (p.Lys2888Glu). This variant is present in population databases (rs745459538, gnomAD 0.002%). This variant has not been reported in the literature in individuals affected with HMCN1-related conditions. ClinVar contains an entry for this variant (Variation ID: 2184954). An algorithm developed to predict the effect of missense changes on protein structure and function outputs the following: PolyPhen-2: "Benign". The glutamic acid amino acid residue is found in multiple mammalian species, which suggests that this missense change does not adversely affect protein function. In summary, the available evidence is currently insufficient to determine the role of this variant in disease. Therefore, it has been classified as a Variant of Uncertain Significance.